The following is an entry in ClinVar:

NM_000138.5(FBN1):c.7114G>A (p.Gly2372Ser)

Gene: FBN1 (fibrillin 1; minus strand). Cytogenetic location: 15q21.1.
Variant type: single nucleotide variant.
Coding change: c.7114G>A on transcript NM_000138.5 (MANE Select); coding-DNA position 7114, G replaced by A.
Protein change: p.Gly2372Ser; replaces glycine 2372 with serine.
Molecular consequence: missense variant.
Genome position (GRCh38, 1-based): chr15:48,427,657, C>T on the plus strand (G>A on the coding strand, the complement: FBN1 is on the minus strand). VCF-style: chr15-48427657-C-T. GRCh37 (hg19) VCF-style: chr15-48719854-C-T.
Other names: c.7114G>A (NM_000138.4); short protein forms G2372S.
Identifiers: ClinVar variation 1015775 (VCV001015775.9), dbSNP rs2042988137, ClinGen allele CA392329703.

ClinVar aggregate classification (germline): Uncertain significance. Review status: criteria provided, single submitter (1 of 4 stars). 2 submissions from 2 submitters: Uncertain significance (1). 1 of the submissions does not count toward it. Last evaluated 2020-01-08.

Conditions:
Marfan syndrome (MFS). Also called: FBN1-Related Marfan Syndrome; MARFAN SYNDROME, TYPE I; Marfan syndrome type 1; Marfan's syndrome; Marfan syndrome, classic. Identifiers: Orphanet 284963, Orphanet 558, MedGen C0024796, MONDO:0007947, OMIM 154700.
Familial thoracic aortic aneurysm and aortic dissection (TAAD). Also called: Thoracic aortic aneurysms and dissections. Identifiers: Orphanet 91387, MedGen C4707243, MONDO:0019625.
FBN1-related disorder. Also called: FBN1-related disorders.

Submissions (2):

Labcorp Genetics (formerly Invitae), Labcorp
Classification: Uncertain significance for Marfan syndrome; Familial thoracic aortic aneurysm and aortic dissection. Last evaluated: 2020-01-08. Review status: criteria provided, single submitter. Criteria: Invitae Variant Classification Sherloc (09022015). Collection method: clinical testing. Allele origin: germline.
Comment: This variant is not present in population databases (ExAC no frequency). In summary, the available evidence is currently insufficient to determine the role of this variant in disease. Therefore, it has been classified as a Variant of Uncertain Significance. Algorithms developed to predict the effect of missense changes on protein structure and function are either unavailable or do not agree on the potential impact of this missense change (SIFT: "Deleterious"; PolyPhen-2: "Probably Damaging"; Align-GVGD: "Class C0"). This variant has not been reported in the literature in individuals with FBN1-related conditions. This sequence change replaces glycine with serine at codon 2372 of the FBN1 protein (p.Gly2372Ser). The glycine residue is highly conserved and there is a small physicochemical difference between glycine and serine.

PreventionGenetics, part of Exact Sciences
Classification: Uncertain significance for FBN1-related condition. Last evaluated: 2024-08-28. Review status: no assertion criteria provided. Collection method: clinical testing. Allele origin: germline. Not counted in ClinVar's aggregate classification.
Comment: The FBN1 c.7114G>A variant is predicted to result in the amino acid substitution p.Gly2372Ser. To our knowledge, this variant has not been reported in the literature or in a large population database, indicating this variant is rare. A different missense substitution (p.Gly2372Val) has been reported in three members of large three-generations family with thoracic aortic aneurysm and dissection (cases 1, 2 and 3 in Yamawaki et al. 2009. PubMed ID: 19336958). Two of the family members (cases 1 and 2) had an additional missense variant in TGFBR2 gene (Figure 2, Yamawaki et al. 2009. PubMed ID: 19336958). Although we suspect that this variant may be pathogenic, at this time, the clinical significance of this variant is uncertain due to the absence of conclusive functional and genetic evidence.